The following is an entry in ClinVar:

ClinVar aggregate classification (germline): Conflicting classifications of pathogenicity. Review status: criteria provided, conflicting classifications (1 of 4 stars). 2 submissions from 2 submitters: Uncertain significance (1); Likely benign (1). Last evaluated 2025-07-01.

gnomAD v4.1: 15 of 1,613,530 alleles (0.00093%); highest among the groups gnomAD compares: Admixed American, 0.0033%; no homozygotes.

Submissions (2):

CeGaT Center for Human Genetics Tuebingen
Classification: Likely benign. Last evaluated: 2025-07-01. Review status: criteria provided, single submitter. Criteria: CeGaT Center For Human Genetics Tuebingen Variant Classification Criteria Version 2. Collection method: clinical testing. Allele origin: germline. Affected: yes. Observed: 1 variant allele.
Comment: SON: BP4

Labcorp Genetics (formerly Invitae), Labcorp
Classification: Uncertain significance. Last evaluated: 2024-06-10. Review status: criteria provided, single submitter. Criteria: Invitae Variant Classification Sherloc (09022015). Collection method: clinical testing. Allele origin: germline.
Comment: This sequence change replaces proline, which is neutral and non-polar, with leucine, which is neutral and non-polar, at codon 1770 of the SON protein (p.Pro1770Leu). This variant is present in population databases (rs779070985, gnomAD 0.002%). This variant has not been reported in the literature in individuals affected with SON-related conditions. An algorithm developed to predict the effect of missense changes on protein structure and function (PolyPhen-2) suggests that this variant is likely to be disruptive. In summary, the available evidence is currently insufficient to determine the role of this variant in disease. Therefore, it has been classified as a Variant of Uncertain Significance.

NM_138927.4(SON):c.5309C>T (p.Pro1770Leu)

Gene: SON (SON DNA and RNA binding protein; plus strand). Cytogenetic location: 21q22.11.
Variant type: single nucleotide variant.
Coding change: c.5309C>T on transcript NM_138927.4 (MANE Select); coding-DNA position 5309, C replaced by T.
Protein change: p.Pro1770Leu; replaces proline 1770 with leucine.
Molecular consequence: missense variant. On other transcripts: non-coding transcript variant (1), intron variant (1).
Genome position (GRCh38, 1-based): chr21:33,554,540, C>T. VCF-style: chr21-33554540-C-T. GRCh37 (hg19) VCF-style: chr21-34926846-C-T.
Other names: c.5309C>T, p.Pro1770Leu (NM_001291411.2, NM_032195.3); c.245-2616C>T (NM_001291412.3); short protein forms P1770L.
Identifiers: ClinVar variation 3717262 (VCV003717262.10).